The following is an entry in ClinVar:

NM_000219.6(KCNE1):c.181A>C (p.Ile61Leu)

Gene: KCNE1 (potassium voltage-gated channel subfamily E regulatory subunit 1; minus strand). Cytogenetic location: 21q22.12.
Variant type: single nucleotide variant.
Coding change: c.181A>C on transcript NM_000219.6 (MANE Select); coding-DNA position 181, A replaced by C.
Protein change: p.Ile61Leu; replaces isoleucine 61 with leucine.
Molecular consequence: missense variant.
Genome position (GRCh38, 1-based): chr21:34,449,454, T>G on the plus strand (A>C on the coding strand, the complement: KCNE1 is on the minus strand). VCF-style: chr21-34449454-T-G. GRCh37 (hg19) VCF-style: chr21-35821752-T-G.
Other names: c.181A>C, p.Ile61Leu (NM_001127668.4, NM_001127669.4, NM_001127670.4 and 4 more transcripts); short protein forms I61L.
Identifiers: ClinVar variation 3374260 (VCV003374260.2).
Genomic context (GRCh38, chr21:34,449,454, plus strand): 5'-AGACGTTGAATGGGTCGTTCGAGTGCTCCAGCTTCTTGGAGCGGATGTAGCTCAGCATGA[T>G]GCCCAGGGTGAAGAAGCCGAAGAATCCCAGTACCATGAGGACGTAGAGGGCCTCCAGCTT-3'
Protein context (NP_000210.2, residues 51-71): LGFFGFFTLG[Ile61Leu]MLSYIRSKKL

Conditions:
Long QT syndrome 5 (LQT5). Identifiers: Orphanet 101016, Orphanet 768, MedGen C1867904, MONDO:0013372, OMIM 613695.

Submission:

Roden Lab, Vanderbilt University Medical Center
No classification provided (evidence only). Condition: Long QT syndrome 5. Review status: no classification provided. Collection method: in vitro. Allele origin: not applicable. Functional consequence: Effect on ion channel function.
ClinVar note: "not provided" was previously submitted as the classification for the variant. However, the classification appeared to be based only on an observation of functional data so it was converted to no classification on 2025-07-30.